The following is an entry in ClinVar:

NM_020549.5(CHAT):c.1148G>C (p.Arg383Pro)

Gene: CHAT (choline O-acetyltransferase; plus strand). Cytogenetic location: 10q11.23.
Variant type: single nucleotide variant.
Coding change: c.1148G>C on transcript NM_020549.5 (MANE Select); coding-DNA position 1148, G replaced by C.
Protein change: p.Arg383Pro; replaces arginine 383 with proline.
Molecular consequence: missense variant.
Genome position (GRCh38, 1-based): chr10:49,646,541, G>C. VCF-style: chr10-49646541-G-C. GRCh37 (hg19) VCF-style: chr10-50854587-G-C.
Other names: c.794G>C, p.Arg265Pro (NM_001142929.2, NM_001142934.2, NM_020984.4 and 2 more transcripts); c.902G>C, p.Arg301Pro (NM_001142933.2); c.1148G>C (NM_020549.4); short protein forms R265P, R301P, R383P.
Identifiers: ClinVar variation 1054034 (VCV001054034.7), dbSNP rs779919147, ClinGen allele CA376739662.

ClinVar aggregate classification (germline): Uncertain significance. Review status: criteria provided, multiple submitters, no conflicts (2 of 4 stars). 2 submissions from 2 submitters: Uncertain significance (2). Last evaluated 2024-11-15.

Conditions:
Inborn genetic diseases. Identifiers: MedGen C0950123, MeSH D030342.
Familial infantile myasthenia (CMS6). Also called: MYASTHENIC SYNDROME, PRESYNAPTIC, CONGENITAL, ASSOCIATED WITH EPISODIC APNEA; MYASTHENIC SYNDROME, CONGENITAL, 6, PRESYNAPTIC; Congenital myasthenic syndrome type 6. Identifiers: Orphanet 590, MedGen C0393929, MONDO:0009689, OMIM 254210.

gnomAD v4.1: 4 of 1,614,096 alleles (0.00025%); highest among the groups gnomAD compares: African/African-American, 0.0013%; no homozygotes.

Submissions (2):

Ambry Genetics
Classification: Uncertain significance for Inborn genetic diseases. Last evaluated: 2024-11-15. Review status: criteria provided, single submitter. Criteria: Ambry Variant Classification Scheme 2023. Collection method: clinical testing. Allele origin: germline.

Labcorp Genetics (formerly Invitae), Labcorp
Classification: Uncertain significance for Familial infantile myasthenia. Last evaluated: 2022-07-26. Review status: criteria provided, single submitter. Criteria: Invitae Variant Classification Sherloc (09022015). Collection method: clinical testing. Allele origin: germline.
Comment: This sequence change replaces arginine, which is basic and polar, with proline, which is neutral and non-polar, at codon 383 of the CHAT protein (p.Arg383Pro). This variant is not present in population databases (gnomAD no frequency). This variant has not been reported in the literature in individuals affected with CHAT-related conditions. ClinVar contains an entry for this variant (Variation ID: 1054034). Advanced modeling of protein sequence and biophysical properties (such as structural, functional, and spatial information, amino acid conservation, physicochemical variation, residue mobility, and thermodynamic stability) performed at Invitae indicates that this missense variant is not expected to disrupt CHAT protein function. In summary, the available evidence is currently insufficient to determine the role of this variant in disease. Therefore, it has been classified as a Variant of Uncertain Significance.